The following is an entry in ClinVar:

NM_000844.4(GRM7):c.2575C>T (p.Arg859Trp)

Gene: GRM7 (glutamate metabotropic receptor 7; plus strand). Cytogenetic location: 3p26.1.
Variant type: single nucleotide variant.
Coding change: c.2575C>T on transcript NM_000844.4 (MANE Select); coding-DNA position 2575, C replaced by T.
Protein change: p.Arg859Trp; replaces arginine 859 with tryptophan.
Molecular consequence: missense variant.
Genome position (GRCh38, 1-based): chr3:7,680,172, C>T. VCF-style: chr3-7680172-C-T. GRCh37 (hg19) VCF-style: chr3-7721859-C-T.
Other names: c.2575C>T, p.Arg859Trp (NM_181874.3); short protein forms R859W.
Identifiers: ClinVar variation 1714532 (VCV001714532.5), dbSNP rs952338137, ClinGen allele CA70276616.

ClinVar aggregate classification (germline): Uncertain significance (1 of 4 stars; one submission).

Allele frequency attached by ClinVar (database versions not stated): gnomAD exomes below 0.00001; gnomAD 0.00001; TOPMed 0.00001.
gnomAD v4.1: 7 of 1,614,056 alleles (0.00043%); highest among the groups gnomAD compares: South Asian, 0.0022%; no homozygotes.

Submission:

Labcorp Genetics (formerly Invitae), Labcorp
Classification: Uncertain significance. Last evaluated: 2022-07-30. Review status: criteria provided, single submitter. Criteria: Invitae Variant Classification Sherloc (09022015). Collection method: clinical testing. Allele origin: germline.
Comment: This variant is present in population databases (no rsID available, gnomAD 0.0009%). This variant has not been reported in the literature in individuals affected with GRM7-related conditions. Algorithms developed to predict the effect of missense changes on protein structure and function (SIFT, PolyPhen-2, Align-GVGD) all suggest that this variant is likely to be disruptive. In summary, the available evidence is currently insufficient to determine the role of this variant in disease. Therefore, it has been classified as a Variant of Uncertain Significance. This sequence change replaces arginine, which is basic and polar, with tryptophan, which is neutral and slightly polar, at codon 859 of the GRM7 protein (p.Arg859Trp).